The following is an entry in ClinVar:

ClinVar aggregate classification (germline): Pathogenic (1 of 4 stars; one submission).

Submission:

Labcorp Genetics (formerly Invitae), Labcorp
Classification: Pathogenic. Last evaluated: 2024-01-27. Review status: criteria provided, single submitter. Criteria: Invitae Variant Classification Sherloc (09022015). Collection method: clinical testing. Allele origin: germline.
Comment: This sequence change creates a premature translational stop signal (p.Glu677Alafs*2) in the HPS6 gene. While this is not anticipated to result in nonsense mediated decay, it is expected to disrupt the last 99 amino acid(s) of the HPS6 protein. This variant is not present in population databases (gnomAD no frequency). This variant has not been reported in the literature in individuals affected with HPS6-related conditions. This variant disrupts a region of the HPS6 protein in which other variant(s) (p.Gln680*) have been determined to be pathogenic (PMID: 27225848, 29054114). This suggests that this is a clinically significant region of the protein, and that variants that disrupt it are likely to be disease-causing. For these reasons, this variant has been classified as Pathogenic.

Literature cited by the submitters: PubMed 27225848; PubMed 29054114.

NM_024747.6(HPS6):c.2028_2047del (p.Glu677fs)

Gene: HPS6 (HPS6 biogenesis of lysosomal organelles complex 2 subunit 3; plus strand). Cytogenetic location: 10q24.32.
Variant type: Deletion.
Coding change: c.2028_2047del on transcript NM_024747.6 (MANE Select); coding-DNA positions 2028 to 2047, 20 bases deleted (CGAGTTTGCCCAGCACCGCC).
Protein change: p.Glu677fs; shifts the reading frame from glutamic acid 677.
Molecular consequence: frameshift variant.
Genome position (GRCh38, 1-based): chr10:102,067,502-102,067,521, CGAGTTTGCCCAGCACCGCC deleted; deleting any 20 consecutive bases within chr10:102,067,501-102,067,521 gives the same sequence; the c. name uses the placement nearest the transcript's 3' end. VCF-style (leftmost placement, unchanged base first): chr10-102067500-GCCGAGTTTGCCCAGCACCGC-G. GRCh37 (hg19) VCF-style: chr10-103827257-GCCGAGTTTGCCCAGCACCGC-G.
Other names: short protein forms E677fs.
Identifiers: ClinVar variation 3633099 (VCV003633099.2).